The following is an entry in ClinVar:

NM_006031.6(PCNT):c.6838C>T (p.Pro2280Ser)

Gene: PCNT (pericentrin; plus strand). Cytogenetic location: 21q22.3.
Variant type: single nucleotide variant.
Coding change: c.6838C>T on transcript NM_006031.6 (MANE Select); coding-DNA position 6838, C replaced by T.
Protein change: p.Pro2280Ser; replaces proline 2280 with serine.
Molecular consequence: missense variant.
Genome position (GRCh38, 1-based): chr21:46,416,756, C>T. VCF-style: chr21-46416756-C-T. GRCh37 (hg19) VCF-style: chr21-47836670-C-T.
Other names: c.6484C>T, p.Pro2162Ser (NM_001315529.2); short protein forms P2280S, P2162S.
Identifiers: ClinVar variation 4985118 (VCV004985118.1).
Genomic context (GRCh38, chr21:46,416,756, plus strand): 5'-CTGGGGGACAGGGCGGACACCTCGCTGCCACAGACCCAGGGGCCGGGGCTGCTTTGTTCC[C>T]CAGGCGTGTCTGCAGCAGCGCTGGCACTGCAGTGGGCCGAGTCTCCGCCGGCTGACGACC-3'
Protein context (NP_006022.3, residues 2270-2290): QTQGPGLLCS[Pro2280Ser]GVSAAALALQ

ClinVar aggregate classification (germline): Uncertain significance (1 of 4 stars; one submission).

Conditions:
PCNT-related disorder. Also called: PCNT-related condition.

gnomAD v4.1: 9 of 1,603,904 alleles (0.00056%); highest among the groups gnomAD compares: Non-Finnish European, 0.00076%; no homozygotes.

Submission:

PreventionGenetics, part of Exact Sciences
Classification: Uncertain significance for PCNT-related condition. Last evaluated: 2026-05-29. Review status: criteria provided, single submitter. Criteria: ACMG Guidelines, 2015. Collection method: clinical testing. Allele origin: germline.
Comment: The PCNT c.6838C>T variant is predicted to result in the amino acid substitution p.Pro2280Ser. To our knowledge, this variant has not been reported in the literature. This variant is reported in 0.00094% of alleles in individuals of European (Non-Finnish) descent in gnomAD. At this time, the clinical significance of this variant is uncertain due to the absence of conclusive functional and genetic evidence.